The following is an entry in ClinVar:

NM_138691.3(TMC1):c.1535G>A (p.Arg512Gln)

Gene: TMC1 (transmembrane channel like 1; plus strand). Cytogenetic location: 9q21.13.
Variant type: single nucleotide variant.
Coding change: c.1535G>A on transcript NM_138691.3 (MANE Select); coding-DNA position 1535, G replaced by A.
Protein change: p.Arg512Gln; replaces arginine 512 with glutamine.
Molecular consequence: missense variant.
Genome position (GRCh38, 1-based): chr9:72,792,321, G>A. VCF-style: chr9-72792321-G-A. GRCh37 (hg19) VCF-style: chr9-75407237-G-A.
Other names: c.1535G>A (NM_138691.2); short protein forms R512Q.
Identifiers: ClinVar variation 1918478 (VCV001918478.7), dbSNP rs1482786407, ClinGen allele CA373507754.

ClinVar aggregate classification (germline): Uncertain significance. Review status: criteria provided, multiple submitters, no conflicts (2 of 4 stars). 3 submissions from 3 submitters: Uncertain significance (3). Last evaluated 2026-04-17.

Conditions:
Inborn genetic diseases. Identifiers: MedGen C0950123, MeSH D030342.
Hearing loss, autosomal recessive 106. Also called: DEAFNESS, AUTOSOMAL RECESSIVE 106. Identifiers: MedGen C4539954, MONDO:0033198, OMIM 617637.

Allele frequency attached by ClinVar (database versions not stated): gnomAD exomes below 0.00001; gnomAD 0.00001; TOPMed 0.00001.
gnomAD v4.1: 8 of 1,613,978 alleles (0.0005%); highest among the groups gnomAD compares: Admixed American, 0.0033%; no homozygotes.

Submissions (3):

Laboratory of Dr. Barbara Vona, University Medical Center Göttingen
Classification: Uncertain significance for Hearing loss, autosomal recessive 106. Last evaluated: 2026-04-17. Review status: criteria provided, single submitter. Criteria: ClinGen HL ACMG Specifications v1. Collection method: research. Allele origin: germline. Affected: yes. Observed: 1 variant allele.

Labcorp Genetics (formerly Invitae), Labcorp
Classification: Uncertain significance. Last evaluated: 2024-10-15. Review status: criteria provided, single submitter. Criteria: Invitae Variant Classification Sherloc (09022015). Collection method: clinical testing. Allele origin: germline.
Comment: This sequence change replaces arginine, which is basic and polar, with glutamine, which is neutral and polar, at codon 512 of the TMC1 protein (p.Arg512Gln). This variant is present in population databases (no rsID available, gnomAD 0.003%). This variant has not been reported in the literature in individuals affected with TMC1-related conditions. ClinVar contains an entry for this variant (Variation ID: 1918478). Invitae Evidence Modeling of protein sequence and biophysical properties (such as structural, functional, and spatial information, amino acid conservation, physicochemical variation, residue mobility, and thermodynamic stability) has been performed for this missense variant. However, the output from this modeling did not meet the statistical confidence thresholds required to predict the impact of this variant on TMC1 protein function. In summary, the available evidence is currently insufficient to determine the role of this variant in disease. Therefore, it has been classified as a Variant of Uncertain Significance.

Ambry Genetics
Classification: Uncertain significance for Inborn genetic diseases. Last evaluated: 2023-10-27. Review status: criteria provided, single submitter. Criteria: Ambry Variant Classification Scheme 2023. Collection method: clinical testing. Allele origin: germline.